The following is an entry in ClinVar:

NM_000095.3(COMP):c.805G>A (p.Asp269Asn)

Gene: COMP (cartilage oligomeric matrix protein; minus strand). Cytogenetic location: 19p13.11.
Variant type: single nucleotide variant.
Coding change: c.805G>A on transcript NM_000095.3 (MANE Select); coding-DNA position 805, G replaced by A.
Protein change: p.Asp269Asn; replaces aspartic acid 269 with asparagine.
Molecular consequence: missense variant.
Genome position (GRCh38, 1-based): chr19:18,788,472, C>T on the plus strand (G>A on the coding strand, the complement: COMP is on the minus strand). VCF-style: chr19-18788472-C-T. GRCh37 (hg19) VCF-style: chr19-18899281-C-T.
Other names: c.805G>A (NM_000095.2); short protein forms D269N.
Identifiers: ClinVar variation 1298752 (VCV001298752.42), dbSNP rs2145903436, ClinGen allele CA404892795.
Genomic context (GRCh38, chr19:18,788,472, plus strand): 5'-TACGGCACTGGCGCTCCGGGCAGCGCAGCTTCTCGTCCGGGAAGCCGTCTAGGTCAGTGT[C>T]GCGACCACAGAGGATCCCGTTGCCGGCCCAGCCAACGGCACACTGTGGGAGAGTGTAAGT-3'
Protein context (NP_000086.2, residues 259-279): WAGNGILCGR[Asp269Asn]TDLDGFPDEK

ClinVar aggregate classification (germline): Conflicting classifications of pathogenicity. Review status: criteria provided, conflicting classifications (1 of 4 stars). 4 submissions from 4 submitters: Pathogenic (1); Likely pathogenic (1); Uncertain significance (2). Last evaluated 2026-06-01.

Conditions:
COMP-related disorder. Also called: COMP-related disorders; COMP-related condition.
Pseudoachondroplastic spondyloepiphyseal dysplasia syndrome (PSACH). Also called: COMP-Related Pseudoachondroplasia; PSEUDOACHONDROPLASTIC DYSPLASIA; Pseudoachondroplasia. Identifiers: Orphanet 750, MedGen C0410538, MONDO:0008322, OMIM 177170.

Submissions (4):

PreventionGenetics, part of Exact Sciences
Classification: Uncertain significance for COMP-related condition. Last evaluated: 2026-06-01. Review status: criteria provided, single submitter. Criteria: ACMG Guidelines, 2015. Collection method: clinical testing. Allele origin: germline.
Comment: The COMP c.805G>A variant is predicted to result in the amino acid substitution p.Asp269Asn. This variant has been reported in four individuals from one family with pseudoachondroplasia (Liang et al. 2022. PubMed ID: 34709441). This variant has not been reported in a large population database (gnomAD), indicating this variant is rare. Alternative substitutions affecting the same amino acid (p.Asp269Ala and Asp269Gly) have also been reported in individuals tested under skeletal conditions/chondrodysplasias (see for example: Table S5, MacCarrick. 2024. PubMed ID: 38702915; Briggs. 2014. PubMed ID: 24595329). This variant is interpreted as uncertain/likely pathogenic/pathogenic in ClinVar (Variation ID: 1298752). Although we suspect that this variant may be pathogenic, at this time, the clinical significance of this variant is uncertain due to the absence of conclusive functional and genetic evidence.

Labcorp Genetics (formerly Invitae), Labcorp
Classification: Likely pathogenic. Last evaluated: 2023-07-17. Review status: criteria provided, single submitter. Criteria: Invitae Variant Classification Sherloc (09022015). Collection method: clinical testing. Allele origin: germline.
Comment: This sequence change replaces aspartic acid, which is acidic and polar, with asparagine, which is neutral and polar, at codon 269 of the COMP protein (p.Asp269Asn). This variant is not present in population databases (gnomAD no frequency). This missense change has been observed in individuals with pseudoachondroplasia (PMID: 34709441; Invitae). ClinVar contains an entry for this variant (Variation ID: 1298752). Advanced modeling of protein sequence and biophysical properties (such as structural, functional, and spatial information, amino acid conservation, physicochemical variation, residue mobility, and thermodynamic stability) performed at Invitae indicates that this missense variant is expected to disrupt COMP protein function. This variant disrupts the p.Asp269 amino acid residue in COMP. Other variant(s) that disrupt this residue have been determined to be pathogenic (PMID: 24595329, 28044000). This suggests that this residue is clinically significant, and that variants that disrupt this residue are likely to be disease-causing. In summary, the currently available evidence indicates that the variant is pathogenic, but additional data are needed to prove that conclusively. Therefore, this variant has been classified as Likely Pathogenic.

CeGaT Center for Human Genetics Tuebingen
Classification: Pathogenic. Last evaluated: 2021-07-01. Review status: criteria provided, single submitter. Criteria: CeGaT Center For Human Genetics Tuebingen Variant Classification Criteria Version 2. Collection method: clinical testing. Allele origin: germline. Affected: yes. Observed: 1 variant allele.

Neuberg Centre For Genomic Medicine, NCGM
Classification: Uncertain significance for Pseudoachondroplastic spondyloepiphyseal dysplasia syndrome. Review status: criteria provided, single submitter. Criteria: ACMG Guidelines, 2015. Collection method: clinical testing. Allele origin: germline. Inheritance: Autosomal dominant inheritance. Affected: yes.
Comment: The missense variant p.D269N in COMP (NM_000095.2) has not been reported previously as a pathogenic variant nor as a benign variant, to our knowledge. The p.D269N variant is novel (not in any individuals) in gnomAD Exomes and is novel (not in any individuals) in 1000 Genomes. The p.D269N missense variant is predicted to be damaging by both SIFT and PolyPhen2. The asparagine residue at codon 269 of COMP is only present in a single other mammalian species: Platypus. The nucleotide c.805 in COMP is predicted conserved by GERP++ and PhyloP across 100 vertebrates. For these reasons, this variant has been classified as Uncertain Significance.

Literature cited by the submitters: PubMed 34709441 (cited by Labcorp Genetics (formerly Invitae), Labcorp); PubMed 24595329 (cited by Labcorp Genetics (formerly Invitae), Labcorp); PubMed 28044000 (cited by Labcorp Genetics (formerly Invitae), Labcorp).